The following is an entry in ClinVar:

NM_152296.5(ATP1A3):c.2354T>A (p.Met785Lys)

Gene: ATP1A3 (ATPase Na+/K+ transporting subunit alpha 3; minus strand). Cytogenetic location: 19q13.2.
Variant type: single nucleotide variant.
Coding change: c.2354T>A on transcript NM_152296.5 (MANE Select); coding-DNA position 2354, T replaced by A.
Protein change: p.Met785Lys; replaces methionine 785 with lysine.
Molecular consequence: missense variant.
Genome position (GRCh38, 1-based): chr19:41,970,452, A>T on the plus strand (T>A on the coding strand, the complement: ATP1A3 is on the minus strand). VCF-style: chr19-41970452-A-T. GRCh37 (hg19) VCF-style: chr19-42474604-A-T.
Other names: c.2387T>A, p.Met796Lys (NM_001256213.2); c.2393T>A, p.Met798Lys (NM_001256214.2); short protein forms M785K, M796K, M798K.
Identifiers: ClinVar variation 940231 (VCV000940231.9), dbSNP rs2075091235, ClinGen allele CA406039472.

ClinVar aggregate classification (germline): Uncertain significance (1 of 4 stars; one submission).

Conditions:
Dystonia 12 (DYT12). Also called: DYT-ATP1A3; Rapid-Onset Dystonia-Parkinsonism (RDP). Identifiers: Orphanet 71517, MedGen C1868681, MONDO:0007496, OMIM 128235.

Submission:

Labcorp Genetics (formerly Invitae), Labcorp
Classification: Uncertain significance for Dystonia 12. Last evaluated: 2022-08-23. Review status: criteria provided, single submitter. Criteria: Invitae Variant Classification Sherloc (09022015). Collection method: clinical testing. Allele origin: germline.
Comment: In summary, the available evidence is currently insufficient to determine the role of this variant in disease. Therefore, it has been classified as a Variant of Uncertain Significance. Algorithms developed to predict the effect of sequence changes on RNA splicing suggest that this variant may create or strengthen a splice site. Algorithms developed to predict the effect of missense changes on protein structure and function are either unavailable or do not agree on the potential impact of this missense change (SIFT: "Deleterious"; PolyPhen-2: "Benign"; Align-GVGD: "Class C0"). ClinVar contains an entry for this variant (Variation ID: 940231). This variant has not been reported in the literature in individuals affected with ATP1A3-related conditions. This variant is not present in population databases (gnomAD no frequency). This sequence change replaces methionine, which is neutral and non-polar, with lysine, which is basic and polar, at codon 785 of the ATP1A3 protein (p.Met785Lys).